The following is an entry in ClinVar:

ClinVar aggregate classification (germline): Uncertain significance. Review status: criteria provided, multiple submitters, no conflicts (2 of 4 stars). 4 submissions from 4 submitters: Uncertain significance (4). Last evaluated 2026-01-22.

Conditions:
SCN10A-related disorder. Also called: SCN10A-related condition.
Cardiovascular phenotype. Identifiers: MedGen CN230736.
Episodic pain syndrome, familial, 2 (FEPS2). Identifiers: Orphanet 306577, MedGen C3809893, MONDO:0014246, OMIM 615551.
Brugada syndrome. Also called: Sudden unexpected nocturnal death syndrome; Sudden Unexplained Death Syndrome; Sudden Unexplained Nocturnal Death Syndrome (SUNDS); Sudden unexplained nocturnal death syndrome. Identifiers: Orphanet 130, MedGen C1142166, MONDO:0015263.

Allele frequency attached by ClinVar (database versions not stated): ExAC 0.00002; TOPMed 0.00003; gnomAD 0.00004 and 0.00005.
gnomAD v4.1: 45 of 1,614,004 alleles (0.0028%); highest among the groups gnomAD compares: Middle Eastern, 0.049%; no homozygotes.

Submissions (4):

PreventionGenetics, part of Exact Sciences
Classification: Uncertain significance for SCN10A-related condition. Last evaluated: 2026-01-22. Review status: criteria provided, single submitter. Criteria: ACMG Guidelines, 2015. Collection method: clinical testing. Allele origin: germline.
Comment: The SCN10A c.4585G>A variant is predicted to result in the amino acid substitution p.Ala1529Thr. This variant has been reported in an individual with small fiber neuropathy (Geerts et al. 2023. doi:10.1016/j.nurpra.2023.104547). This variant is reported in 0.012% of alleles in individuals of African descent in gnomAD. At this time, the clinical significance of this variant is uncertain due to the absence of conclusive functional and genetic evidence.

Ambry Genetics
Classification: Uncertain significance for Cardiovascular phenotype. Last evaluated: 2025-05-13. Review status: criteria provided, single submitter. Criteria: Ambry Variant Classification Scheme 2023. Collection method: clinical testing. Allele origin: germline.

Labcorp Genetics (formerly Invitae), Labcorp
Classification: Uncertain significance for Brugada syndrome. Last evaluated: 2022-03-09. Review status: criteria provided, single submitter. Criteria: Invitae Variant Classification Sherloc (09022015). Collection method: clinical testing. Allele origin: germline.
Comment: This sequence change replaces alanine, which is neutral and non-polar, with threonine, which is neutral and polar, at codon 1529 of the SCN10A protein (p.Ala1529Thr). This variant is present in population databases (rs757916036, gnomAD 0.01%). This variant has not been reported in the literature in individuals affected with SCN10A-related conditions. ClinVar contains an entry for this variant (Variation ID: 407754). Algorithms developed to predict the effect of missense changes on protein structure and function are either unavailable or do not agree on the potential impact of this missense change (SIFT: "Deleterious"; PolyPhen-2: "Probably Damaging"; Align-GVGD: "Class C0"). In summary, the available evidence is currently insufficient to determine the role of this variant in disease. Therefore, it has been classified as a Variant of Uncertain Significance.

Revvity Omics, Revvity
Classification: Uncertain significance for Episodic pain syndrome, familial, 2. Last evaluated: 2020-08-12. Review status: criteria provided, single submitter. Criteria: ACMG Guidelines, 2015. Collection method: clinical testing. Allele origin: germline.

NM_006514.4(SCN10A):c.4585G>A (p.Ala1529Thr)

Gene: SCN10A (sodium voltage-gated channel alpha subunit 10; minus strand). Cytogenetic location: 3p22.2.
Variant type: single nucleotide variant.
Coding change: c.4585G>A on transcript NM_006514.4 (MANE Select); coding-DNA position 4585, G replaced by A.
Protein change: p.Ala1529Thr; replaces alanine 1529 with threonine.
Molecular consequence: missense variant.
Genome position (GRCh38, 1-based): chr3:38,701,911, C>T on the plus strand (G>A on the coding strand, the complement: SCN10A is on the minus strand). VCF-style: chr3-38701911-C-T. GRCh37 (hg19) VCF-style: chr3-38743402-C-T.
Other names: c.4582G>A, p.Ala1528Thr (NM_001293306.2); c.4291G>A, p.Ala1431Thr (NM_001293307.2); short protein forms A1529T, A1431T, A1528T.
Identifiers: ClinVar variation 407754 (VCV000407754.9), dbSNP rs757916036, ClinGen allele CA2319865.